The following is an entry in ClinVar:

ClinVar aggregate classification (germline): Uncertain significance (1 of 4 stars; one submission).

Submission:

Labcorp Genetics (formerly Invitae), Labcorp
Classification: Uncertain significance. Last evaluated: 2023-03-29. Review status: criteria provided, single submitter. Criteria: Invitae Variant Classification Sherloc (09022015). Collection method: clinical testing. Allele origin: germline.
Comment: This variant, c.207_218del, results in the deletion of 4 amino acid(s) of the SERPING1 protein (p.Thr71_Ser74del), but otherwise preserves the integrity of the reading frame. This variant is not present in population databases (gnomAD no frequency). This variant has not been reported in the literature in individuals affected with SERPING1-related conditions. Experimental studies and prediction algorithms are not available or were not evaluated, and the functional significance of this variant is currently unknown. In summary, the available evidence is currently insufficient to determine the role of this variant in disease. Therefore, it has been classified as a Variant of Uncertain Significance.

NM_000062.3(SERPING1):c.207_218del (p.67TTNS[1])

Gene: SERPING1 (serpin family G member 1; plus strand). Cytogenetic location: 11q12.1.
Variant type: Deletion.
Coding change: c.207_218del on transcript NM_000062.3 (MANE Select); coding-DNA positions 207 to 218, 12 bases deleted (CTCAACAACCAA).
Protein change: p.67TTNS[1].
Molecular consequence: inframe deletion.
Genome position (GRCh38, 1-based): chr11:57,600,034-57,600,045, CTCAACAACCAA deleted; deleting any 12 consecutive bases within chr11:57,600,026-57,600,045 gives the same sequence; the c. name uses the placement nearest the transcript's 3' end. VCF-style (leftmost placement, unchanged base first): chr11-57600025-GACAACCAACTCA-G. GRCh37 (hg19) VCF-style: chr11-57367498-GACAACCAACTCA-G.
Other names: c.207_218del, p.67TTNS[1] (NM_001032295.2).
Identifiers: ClinVar variation 2847971 (VCV002847971.3), dbSNP rs2495425492, ClinGen allele CA2739270444.
Genomic context (GRCh38, chr11:57,600,025, plus strand): 5'-AACAACAGTTATCTCCAAGATGCTATTCGTTGAACCCATCCTGGAGGTTTCCAGCTTGCC[GACAACCAACTCA>G]ACAACCAATTCAGCCACCAAAATAACAGCTAATACCACTGATGAACCCACCACACAACCC-3'